The following is an entry in ClinVar:

ClinVar aggregate classification (germline): Likely benign. Review status: criteria provided, multiple submitters, no conflicts (2 of 4 stars). 3 submissions from 3 submitters: Likely benign (3). Last evaluated 2026-09-01.

Conditions:
MEGF8-related Carpenter syndrome. Also called: Carpenter syndrome 2. Identifiers: Orphanet 65759, MedGen C3554247, MONDO:0013998, OMIM 614976.

Allele frequency attached by ClinVar (database versions not stated): ExAC 0.00004; TOPMed 0.00006; gnomAD 0.00007; ESP Exome Variant Server 0.00008; gnomAD exomes 0.00008; 1000 Genomes Project 30x 0.00016; 1000 Genomes Project 0.00020.
gnomAD v4.1: 144 of 1,613,634 alleles (0.0089%); highest among the groups gnomAD compares: East Asian, 0.011%; no homozygotes.

Submissions (3):

CeGaT Center for Human Genetics Tuebingen
Classification: Likely benign. Last evaluated: 2026-09-01. Review status: criteria provided, single submitter. Criteria: CeGaT Center For Human Genetics Tuebingen Variant Classification Criteria Version 2. Collection method: clinical testing. Allele origin: germline. Affected: yes. Observed: 2 variant alleles.
Comment: MEGF8: BP4, BP7

Labcorp Genetics (formerly Invitae), Labcorp
Classification: Likely benign for MEGF8-related Carpenter syndrome. Last evaluated: 2024-07-17. Review status: criteria provided, single submitter. Criteria: Invitae Variant Classification Sherloc (09022015). Collection method: clinical testing. Allele origin: germline.

Blueprint Genetics
Classification: Likely benign. Last evaluated: 2024-05-30. Review status: criteria provided, single submitter. Criteria: ACMG Guidelines, 2015. Collection method: clinical testing. Allele origin: germline.

NM_001271938.2(MEGF8):c.4857C>T (p.Ala1619=)

Gene: MEGF8 (multiple EGF like domains 8; plus strand). Cytogenetic location: 19q13.2.
Variant type: single nucleotide variant.
Coding change: c.4857C>T on transcript NM_001271938.2 (MANE Select); coding-DNA position 4857, C replaced by T.
Protein change: p.Ala1619=; no amino-acid change (alanine 1619 retained).
Molecular consequence: synonymous variant.
Genome position (GRCh38, 1-based): chr19:42,357,430, C>T. VCF-style: chr19-42357430-C-T. GRCh37 (hg19) VCF-style: chr19-42861582-C-T.
Other names: c.4656C>T, p.Ala1552= (NM_001410.3).
Identifiers: ClinVar variation 2571048 (VCV002571048.30), dbSNP rs143507034, ClinGen allele CA9475395.